The following is an entry in ClinVar:

NM_015512.5(DNAH1):c.8360A>C (p.Lys2787Thr)

Gene: DNAH1 (dynein axonemal heavy chain 1; plus strand). Cytogenetic location: 3p21.1.
Variant type: single nucleotide variant.
Coding change: c.8360A>C on transcript NM_015512.5 (MANE Select); coding-DNA position 8360, A replaced by C.
Protein change: p.Lys2787Thr; replaces lysine 2787 with threonine.
Molecular consequence: missense variant.
Genome position (GRCh38, 1-based): chr3:52,384,823, A>C. VCF-style: chr3-52384823-A-C. GRCh37 (hg19) VCF-style: chr3-52418839-A-C.
Other names: short protein forms K2787T.
Identifiers: ClinVar variation 3758221 (VCV003758221.2).
Genomic context (GRCh38, chr3:52,384,823, plus strand): 5'-CATCCATGGTCTTCCTCCCCCAGATCCAGGTCTGTGTGTACATCCACCAGTCGGTGTCCA[A>C]GAAGTGCATCGAGTACCTGGCAGAGCTGACCCGCCACAACTATGTGACCCCCAAGAGCTA-3'
Protein context (NP_056327.4, residues 2777-2797): VCVYIHQSVS[Lys2787Thr]KCIEYLAELT

ClinVar aggregate classification (germline): Uncertain significance (1 of 4 stars; one submission).

Conditions:
Spermatogenic failure 18. Identifiers: MedGen C4539783, MONDO:0054615, OMIM 617576.
Ciliary dyskinesia, primary, 37 (CILD37). Also called: CILIARY DYSKINESIA, PRIMARY, 37, WITH OR WITHOUT SITUS INVERSUS. Identifiers: MedGen C4539798, MONDO:0033204, OMIM 617577.

Submission:

Labcorp Genetics (formerly Invitae), Labcorp
Classification: Uncertain significance for Ciliary dyskinesia, primary, 37; Spermatogenic failure 18. Last evaluated: 2024-10-06. Review status: criteria provided, single submitter. Criteria: Invitae Variant Classification Sherloc (09022015). Collection method: clinical testing. Allele origin: germline.
Comment: This sequence change replaces lysine, which is basic and polar, with threonine, which is neutral and polar, at codon 2787 of the DNAH1 protein (p.Lys2787Thr). This variant is not present in population databases (gnomAD no frequency). This variant has not been reported in the literature in individuals affected with DNAH1-related conditions. Invitae Evidence Modeling of protein sequence and biophysical properties (such as structural, functional, and spatial information, amino acid conservation, physicochemical variation, residue mobility, and thermodynamic stability) has been performed for this missense variant. However, the output from this modeling did not meet the statistical confidence thresholds required to predict the impact of this variant on DNAH1 protein function. In summary, the available evidence is currently insufficient to determine the role of this variant in disease. Therefore, it has been classified as a Variant of Uncertain Significance.